The following is an entry in ClinVar:

NM_000051.4(ATM):c.1374C>G (p.Cys458Trp)

Gene: ATM (ATM serine/threonine kinase; plus strand). Cytogenetic location: 11q22.3.
Variant type: single nucleotide variant.
Coding change: c.1374C>G on transcript NM_000051.4 (MANE Select); coding-DNA position 1374, C replaced by G.
Protein change: p.Cys458Trp; replaces cysteine 458 with tryptophan.
Molecular consequence: missense variant.
Genome position (GRCh38, 1-based): chr11:108,250,839, C>G. VCF-style: chr11-108250839-C-G. GRCh37 (hg19) VCF-style: chr11-108121566-C-G.
Other names: c.1374C>G, p.Cys458Trp (NM_001351834.2); short protein forms C458W.
Identifiers: ClinVar variation 1495488 (VCV001495488.8), dbSNP rs2135320531, ClinGen allele CA382533842.

ClinVar aggregate classification (germline): Uncertain significance (1 of 4 stars; one submission).

Conditions:
Ataxia-telangiectasia syndrome (AT). Also called: Cerebello-oculocutaneous telangiectasia; Immunodeficiency with ataxia telangiectasia; AT, COMPLEMENTATION GROUP C; ATAXIA-TELANGIECTASIA, COMPLEMENTATION GROUP A; ATAXIA-TELANGIECTASIA, FRESNO VARIANT; LOUIS-BAR SYNDROME. Identifiers: Orphanet 100, MedGen C0004135, MONDO:0008840, OMIM 208900.

Submission:

Labcorp Genetics (formerly Invitae), Labcorp
Classification: Uncertain significance for Ataxia-telangiectasia syndrome. Last evaluated: 2021-02-19. Review status: criteria provided, single submitter. Criteria: Invitae Variant Classification Sherloc (09022015). Collection method: clinical testing. Allele origin: germline.
Comment: This sequence change replaces cysteine with tryptophan at codon 458 of the ATM protein (p.Cys458Trp). The cysteine residue is highly conserved and there is a large physicochemical difference between cysteine and tryptophan. This variant is not present in population databases (ExAC no frequency). This variant has not been reported in the literature in individuals with ATM-related conditions. Advanced modeling of protein sequence and biophysical properties (such as structural, functional, and spatial information, amino acid conservation, physicochemical variation, residue mobility, and thermodynamic stability) performed at Invitae indicates that this missense variant is not expected to disrupt ATM protein function. In summary, the available evidence is currently insufficient to determine the role of this variant in disease. Therefore, it has been classified as a Variant of Uncertain Significance.